The following is an entry in ClinVar:

ClinVar aggregate classification (germline): Uncertain significance (1 of 4 stars; one submission).

Conditions:
Perlman syndrome (PRLMNS). Identifiers: Orphanet 2849, MedGen C0796113, MONDO:0009965, OMIM 267000.

Submission:

Labcorp Genetics (formerly Invitae), Labcorp
Classification: Uncertain significance for Perlman syndrome. Last evaluated: 2022-07-02. Review status: criteria provided, single submitter. Criteria: Invitae Variant Classification Sherloc (09022015). Collection method: clinical testing. Allele origin: germline.
Comment: In summary, the available evidence is currently insufficient to determine the role of this variant in disease. Therefore, it has been classified as a Variant of Uncertain Significance. Algorithms developed to predict the effect of missense changes on protein structure and function are either unavailable or do not agree on the potential impact of this missense change (SIFT: "Deleterious"; PolyPhen-2: "Probably Damaging"; Align-GVGD: "Class C0"). This variant has not been reported in the literature in individuals affected with DIS3L2-related conditions. This variant is not present in population databases (gnomAD no frequency). This sequence change replaces cysteine, which is neutral and slightly polar, with arginine, which is basic and polar, at codon 570 of the DIS3L2 protein (p.Cys570Arg).

NM_152383.5(DIS3L2):c.1708T>C (p.Cys570Arg)

Gene: DIS3L2 (DIS3 like 3'-5' exoribonuclease 2; plus strand). Cytogenetic location: 2q37.1.
Variant type: single nucleotide variant.
Coding change: c.1708T>C on transcript NM_152383.5 (MANE Select); coding-DNA position 1708, T replaced by C.
Protein change: p.Cys570Arg; replaces cysteine 570 with arginine.
Molecular consequence: missense variant. On other transcripts: non-coding transcript variant (2), intron variant (1).
Genome position (GRCh38, 1-based): chr2:232,300,088, T>C. VCF-style: chr2-232300088-T-C. GRCh37 (hg19) VCF-style: chr2-233164798-T-C.
Other names: c.1581+36726T>C (NM_001257281.2); short protein forms C570R.
Identifiers: ClinVar variation 2013187 (VCV002013187.4), dbSNP rs1311225073, ClinGen allele CA350978629.
Genomic context (GRCh38, chr2:232,300,088, plus strand): 5'-CTCTCTCTTCAGCTAAAGCTTGCTTTCACTCTGGACCACGAGACCGGATTGCCTCAAGGA[T>C]GTCATATCTATGAGTACCGCGAGAGCAACAAGTAAGCCACTCAGTGGGAAAGAGTGTCAC-3'
Protein context (NP_689596.4, residues 560-580): LDHETGLPQG[Cys570Arg]HIYEYRESNK